The following is an entry in ClinVar:

ClinVar aggregate classification (germline): Uncertain significance (1 of 4 stars; one submission).

Conditions:
Dilated cardiomyopathy 1DD (CMD1DD). Identifiers: Orphanet 154, MedGen C2750995, MONDO:0013168, OMIM 613172.

Submission:

Labcorp Genetics (formerly Invitae), Labcorp
Classification: Uncertain significance for Dilated cardiomyopathy 1DD. Last evaluated: 2020-03-22. Review status: criteria provided, single submitter. Criteria: Invitae Variant Classification Sherloc (09022015). Collection method: clinical testing. Allele origin: germline.
Comment: In summary, the available evidence is currently insufficient to determine the role of this variant in disease. Therefore, it has been classified as a Variant of Uncertain Significance. Algorithms developed to predict the effect of missense changes on protein structure and function output the following: SIFT: "Deleterious"; PolyPhen-2: "Benign"; Align-GVGD: "Class C0". The alanine amino acid residue is found in multiple mammalian species, suggesting that this missense change does not adversely affect protein function. These predictions have not been confirmed by published functional studies and their clinical significance is uncertain. This variant has not been reported in the literature in individuals with RBM20-related conditions. This variant is not present in population databases (ExAC no frequency). This sequence change replaces valine with alanine at codon 1043 of the RBM20 protein (p.Val1043Ala). The valine residue is moderately conserved and there is a small physicochemical difference between valine and alanine.

NM_001134363.3(RBM20):c.3128T>C (p.Val1043Ala)

Gene: RBM20 (RNA binding motif protein 20; plus strand). Cytogenetic location: 10q25.2.
Variant type: single nucleotide variant.
Coding change: c.3128T>C on transcript NM_001134363.3 (MANE Select); coding-DNA position 3128, T replaced by C.
Protein change: p.Val1043Ala; replaces valine 1043 with alanine.
Molecular consequence: missense variant.
Genome position (GRCh38, 1-based): chr10:110,821,747, T>C. VCF-style: chr10-110821747-T-C. GRCh37 (hg19) VCF-style: chr10-112581505-T-C.
Other names: short protein forms V1043A.
Identifiers: ClinVar variation 1061712 (VCV001061712.9), dbSNP rs2135122123, ClinGen allele CA378381167.